The following is an entry in ClinVar:

ClinVar aggregate classification (germline): Uncertain significance (1 of 4 stars; one submission).

Submission:

GeneDx
Classification: Uncertain significance. Last evaluated: 2025-06-17. Review status: criteria provided, single submitter. Criteria: GeneDx Variant Classification Process June 2021. Collection method: clinical testing. Allele origin: germline. Affected: yes.
Comment: Not observed at significant frequency in large population cohorts (gnomAD); In silico analysis supports that this missense variant has a deleterious effect on protein structure/function; Has not been previously published as pathogenic or benign to our knowledge

NM_207037.2(TCF12):c.203C>T (p.Pro68Leu)

Gene: TCF12 (transcription factor 12; plus strand). Cytogenetic location: 15q21.3.
Variant type: single nucleotide variant.
Coding change: c.203C>T on transcript NM_207037.2 (MANE Select); coding-DNA position 203, C replaced by T.
Protein change: p.Pro68Leu; replaces proline 68 with leucine.
Molecular consequence: missense variant. On other transcripts: 5 prime UTR variant (3).
Genome position (GRCh38, 1-based): chr15:57,063,804, C>T. VCF-style: chr15-57063804-C-T. GRCh37 (hg19) VCF-style: chr15-57356002-C-T.
Other names: c.203C>T, p.Pro68Leu (NM_001322151.2, NM_001322152.2, NM_001322157.3 and 7 more transcripts); c.-450C>T (NM_001322154.2); c.-34C>T (NM_001322156.2, NM_001322158.2); c.239C>T, p.Pro80Leu (NM_001322164.2); short protein forms P68L, P80L.
Identifiers: ClinVar variation 4538701 (VCV004538701.1).